The following is an entry in ClinVar:

ClinVar aggregate classification (germline): Uncertain significance (1 of 4 stars; one submission).

Submission:

Labcorp Genetics (formerly Invitae), Labcorp
Classification: Uncertain significance. Last evaluated: 2025-08-04. Review status: criteria provided, single submitter. Criteria: Invitae Variant Classification Sherloc (09022015). Collection method: clinical testing. Allele origin: germline.
Comment: This variant, c.49_51del, results in the deletion of 1 amino acid(s) of the STN1 protein (p.Trp17del), but otherwise preserves the integrity of the reading frame. This variant is not present in population databases (gnomAD no frequency). This variant has not been reported in the literature in individuals affected with STN1-related conditions. Experimental studies and prediction algorithms are not available or were not evaluated, and the functional significance of this variant is currently unknown. In summary, the available evidence is currently insufficient to determine the role of this variant in disease. Therefore, it has been classified as a Variant of Uncertain Significance.

NM_024928.5(STN1):c.49_51del (p.Trp17del)

Gene: STN1 (STN1 subunit of CST complex; minus strand). Cytogenetic location: 10q24.33.
Variant type: Deletion.
Coding change: c.49_51del on transcript NM_024928.5 (MANE Select); coding-DNA positions 49 to 51, 3 bases deleted (TGG; older notation c.49_51delTGG).
Protein change: p.Trp17del; deletes tryptophan 17.
Molecular consequence: inframe deletion.
Genome position (GRCh38, 1-based): chr10:103,917,544-103,917,546, CCA deleted on the plus strand (TGG on the coding strand, the reverse complement: STN1 is on the minus strand); deleting any 3 consecutive bases within chr10:103,917,544-103,917,547 gives the same sequence; the c. name uses the placement nearest the transcript's 3' end. VCF-style (leftmost placement, unchanged base first): chr10-103917543-CCCA-C. GRCh37 (hg19) VCF-style: chr10-105677301-CCCA-C.
Other names: short protein forms W17del.
Identifiers: ClinVar variation 4724339 (VCV004724339.1).
Genomic context (GRCh38, chr10:103,917,543, plus strand): 5'-TCATGTCCAGGATATCCCTGATGTAGAGTTTTGCAAAGGCTAGAAACACAGGATCCAAAC[CCCA>C]CAAGAGGGAAGGGGTCTCCTCTTCACACCGGCTGGATCCAGGCTGCATCAAGAGGCAGGG-3'